The following is an entry in ClinVar:

ClinVar aggregate classification (germline): Uncertain significance. Review status: criteria provided, multiple submitters, no conflicts (2 of 4 stars). 2 submissions from 2 submitters: Uncertain significance (2). Last evaluated 2025-11-19.

Conditions:
Inborn genetic diseases. Identifiers: MedGen C0950123, MeSH D030342.

gnomAD v4.1: 1 of 1,614,188 alleles (0.000062%); highest among the groups gnomAD compares: Non-Finnish European, 0.000085%; no homozygotes.

Submissions (2):

Ambry Genetics
Classification: Uncertain significance for Inborn genetic diseases. Last evaluated: 2025-11-19. Review status: criteria provided, single submitter. Criteria: Ambry Variant Classification Scheme 2023. Collection method: clinical testing. Allele origin: germline.

Labcorp Genetics (formerly Invitae), Labcorp
Classification: Uncertain significance. Last evaluated: 2024-12-10. Review status: criteria provided, single submitter. Criteria: Invitae Variant Classification Sherloc (09022015). Collection method: clinical testing. Allele origin: germline.
Comment: This sequence change replaces lysine, which is basic and polar, with threonine, which is neutral and polar, at codon 148 of the TNFAIP3 protein (p.Lys148Thr). This variant is not present in population databases (gnomAD no frequency). This variant has not been reported in the literature in individuals affected with TNFAIP3-related conditions. An algorithm developed to predict the effect of missense changes on protein structure and function (PolyPhen-2) suggests that this variant is likely to be disruptive. In summary, the available evidence is currently insufficient to determine the role of this variant in disease. Therefore, it has been classified as a Variant of Uncertain Significance.

NM_001270508.2(TNFAIP3):c.443A>C (p.Lys148Thr)

Gene: TNFAIP3 (TNF alpha induced protein 3; plus strand). Cytogenetic location: 6q23.3.
Variant type: single nucleotide variant.
Coding change: c.443A>C on transcript NM_001270508.2 (MANE Select); coding-DNA position 443, A replaced by C.
Protein change: p.Lys148Thr; replaces lysine 148 with threonine.
Molecular consequence: missense variant.
Genome position (GRCh38, 1-based): chr6:137,874,992, A>C. VCF-style: chr6-137874992-A-C. GRCh37 (hg19) VCF-style: chr6-138196129-A-C.
Other names: c.443A>C (NM_006290.2); c.443A>C, p.Lys148Thr (NM_001270507.2, NM_006290.4); short protein forms K148T.
Identifiers: ClinVar variation 3727008 (VCV003727008.3).
Genomic context (GRCh38, chr6:137,874,992, plus strand): 5'-GCACGCTCAAGGAAACAGACACACGCAACTTTAAATTCCGCTGGCAACTGGAGTCTCTCA[A>C]ATCTCAGGAATTTGTTGAAACGGGGCTTTGCTATGATACTCGGGTAGGTTTTTCCCCCTA-3'
Protein context (NP_001257437.1, residues 138-158): FKFRWQLESL[Lys148Thr]SQEFVETGLC